The following is an entry in ClinVar:

NM_001297.5(CNGB1):c.2305-34G>A

Gene: CNGB1 (cyclic nucleotide gated channel subunit beta 1; minus strand). Cytogenetic location: 16q21.
Variant type: single nucleotide variant.
Coding change: c.2305-34G>A on transcript NM_001297.5 (MANE Select); 34 bases into the intron before coding-DNA position 2305, G replaced by A.
Molecular consequence: intron variant.
Genome position (GRCh38, 1-based): chr16:57,913,028, C>T on the plus strand (G>A on the coding strand, the complement: CNGB1 is on the minus strand). VCF-style: chr16-57913028-C-T. GRCh37 (hg19) VCF-style: chr16-57946932-C-T.
Other names: c.2287-34G>A (NM_001286130.2); c.2305-34G>A (NM_001297.4).
Identifiers: ClinVar variation 3581104 (VCV003581104.3).

ClinVar aggregate classification (germline): Conflicting classifications of pathogenicity. Review status: criteria provided, conflicting classifications (1 of 4 stars). 3 submissions from 3 submitters: Pathogenic (1); Likely pathogenic (1); Uncertain significance (1). Last evaluated 2026-03-28.

Conditions:
CNGB1-related disorder. Also called: CNGB1-related condition.
Retinitis pigmentosa 45 (RP45). Identifiers: Orphanet 791, MedGen C3151066, MONDO:0013413, OMIM 613767.

gnomAD v4.1: 113 of 1,608,488 alleles (0.007%); highest among the groups gnomAD compares: African/African-American, 0.099%; no homozygotes.

Submissions (3):

PreventionGenetics, part of Exact Sciences
Classification: Uncertain significance for CNGB1-related condition. Last evaluated: 2026-03-28. Review status: criteria provided, single submitter. Criteria: ACMG Guidelines, 2015. Collection method: clinical testing. Allele origin: germline.
Comment: The CNGB1 c.2305-34G>A variant is predicted to interfere with splicing. This variant has been identified in an individual with autosomal recessive retinitis pigmentosa, along with a second CNGB1 variant (Radojevic et al. 2021. PubMed ID: 33465333; Lynn et al. 2022. PubMed ID: 36672815). Functional studies predict that this variant causes exon skipping of exons 23 and 24 while decreasing transcript expression of the wild type transcript and increasing expression of the aberrant transcript (Mauro-Herrera. 2021. PubMed ID: 34209753). This variant is reported in 0.079% of alleles in individuals of African descent in gnomAD. At this time, the clinical significance of this variant is uncertain due to the absence of conclusive functional and genetic evidence.

Dasa
Classification: Pathogenic. Last evaluated: 2025-11-14. Review status: criteria provided, single submitter. Criteria: DASA Assertion Criteria. Collection method: clinical testing. Allele origin: germline.
Comment: NM_001297.5(CNGB1):c.2305-34G>A is a splice-region variant predicted to affect normal RNA splicing. Functional evidence supports a deleterious effect on the gene or gene product (PMID: 34209753; PMID: 33465333; PMID: 36672815). This variant has been recurrently observed in individuals with related phenotype (PMID: 34209753; PMID: 33465333; PMID: 36672815). The variant is present at low frequency in population datasets. Based on the available data, this variant is classified as pathogenic.

Fulgent Genetics
Classification: Likely pathogenic for Retinitis pigmentosa 45. Last evaluated: 2024-02-19. Review status: criteria provided, single submitter. Criteria: ACMG Guidelines, 2015. Collection method: clinical testing. Allele origin: germline.

Literature cited by the submitters: PubMed 34209753 (cited by Dasa); PubMed 33465333 (cited by Dasa); PubMed 36672815 (cited by Dasa).